The following is an entry in ClinVar:

NM_002838.5(PTPRC):c.3388C>T (p.Leu1130Phe)

Gene: PTPRC (protein tyrosine phosphatase receptor type C; plus strand). Cytogenetic location: 1q32.1.
Variant type: single nucleotide variant.
Coding change: c.3388C>T on transcript NM_002838.5 (MANE Select); coding-DNA position 3388, C replaced by T.
Protein change: p.Leu1130Phe; replaces leucine 1130 with phenylalanine.
Molecular consequence: missense variant.
Genome position (GRCh38, 1-based): chr1:198,752,651, C>T. VCF-style: chr1-198752651-C-T. GRCh37 (hg19) VCF-style: chr1-198721780-C-T.
Other names: c.2905C>T, p.Leu969Phe (NM_080921.4); short protein forms L969F, L1130F.
Identifiers: ClinVar variation 835498 (VCV000835498.7), dbSNP rs765840478, ClinGen allele CA1315438.

ClinVar aggregate classification (germline): Uncertain significance (1 of 4 stars; one submission).

Conditions:
Immunodeficiency 104. Also called: Severe combined immunodeficiency, autosomal recessive, T cell-negative, B cell-positive, NK cell-positive; SCID, AUTOSOMAL RECESSIVE, T CELL-NEGATIVE, B CELL-POSITIVE, NK CELL-POSITIVE; Severe Combined Immune Deficiency, Autosomal Recessive, TCell -Negative, B Cell-Positive, NK Cell-Positive, IL7R-Related; IMMUNODEFICIENCY 104, SEVERE COMBINED. Identifiers: MedGen C5676890, MONDO:0012163, OMIM 608971.

Allele frequency attached by ClinVar (database versions not stated): gnomAD exomes below 0.00001 and 0.00001; ExAC 0.00001; gnomAD 0.00001; TOPMed 0.00002.
gnomAD v4.1: 19 of 1,612,732 alleles (0.0012%); highest among the groups gnomAD compares: African/African-American, 0.0027%; no homozygotes.

Submission:

Labcorp Genetics (formerly Invitae), Labcorp
Classification: Uncertain significance for Immunodeficiency 104. Last evaluated: 2021-08-27. Review status: criteria provided, single submitter. Criteria: Invitae Variant Classification Sherloc (09022015). Collection method: clinical testing. Allele origin: germline.
Comment: This sequence change replaces leucine with phenylalanine at codon 1130 of the PTPRC protein (p.Leu1130Phe). The leucine residue is highly conserved and there is a small physicochemical difference between leucine and phenylalanine. This variant is present in population databases (rs765840478, ExAC 0.01%). This variant has not been reported in the literature in individuals affected with PTPRC-related conditions. Algorithms developed to predict the effect of missense changes on protein structure and function are either unavailable or do not agree on the potential impact of this missense change (SIFT: "Deleterious"; PolyPhen-2: "Probably Damaging"; Align-GVGD: "Class C15"). In summary, the available evidence is currently insufficient to determine the role of this variant in disease. Therefore, it has been classified as a Variant of Uncertain Significance.